The following is an entry in ClinVar:

NM_000216.4(ANOS1):c.1783del (p.Glu595fs)

Gene: ANOS1 (anosmin 1; minus strand). Cytogenetic location: Xp22.31.
Variant type: Deletion.
Coding change: c.1783del on transcript NM_000216.4 (MANE Select); coding-DNA position 1783, one base deleted (G; older notation c.1783delG).
Protein change: p.Glu595fs; shifts the reading frame from glutamic acid 595.
Molecular consequence: frameshift variant.
Genome position (GRCh38, 1-based): chrX:8,535,650, C deleted on the plus strand (G on the coding strand, the reverse complement: ANOS1 is on the minus strand); the first of 2 consecutive C bases (chrX:8,535,650-8,535,651); deleting either gives the same sequence. VCF-style (leftmost placement, unchanged base first): chrX-8535649-TC-T. GRCh37 (hg19) VCF-style: chrX-8503690-TC-T.
Other names: short protein forms E595fs.
Identifiers: ClinVar variation 3721469 (VCV003721469.2).

ClinVar aggregate classification (germline): Pathogenic (1 of 4 stars; one submission).

Conditions:
Hypogonadotropic hypogonadism 1 with or without anosmia (HH1). Also called: Kallmann syndrome, type 1, X-linked; DYSPLASIA OLFACTOGENITALIS OF DE MORSIER; HYPOGONADOTROPIC HYPOGONADISM AND ANOSMIA; HYPOGONADOTROPIC HYPOGONADISM 1 WITH ANOSMIA; KAL1-Related GnRH Deficiency (Kallmann Syndrome 1; Kallmann Syndrome, X-Linked); Hypogonadotropic hypogonadism 1 with or without anosmia (Kallmann syndrome 1). Identifiers: Orphanet 478, MedGen C1563719, MONDO:0010635, OMIM 308700. Disease mechanism: loss of function.

Submission:

Labcorp Genetics (formerly Invitae), Labcorp
Classification: Pathogenic for Hypogonadotropic hypogonadism 1 with or without anosmia. Last evaluated: 2024-09-24. Review status: criteria provided, single submitter. Criteria: Invitae Variant Classification Sherloc (09022015). Collection method: clinical testing. Allele origin: germline.
Comment: This sequence change creates a premature translational stop signal (p.Glu595Lysfs*25) in the ANOS1 gene. It is expected to result in an absent or disrupted protein product. Loss-of-function variants in ANOS1 are known to be pathogenic (PMID: 8504298, 11297579). This variant is not present in population databases (gnomAD no frequency). This variant has not been reported in the literature in individuals affected with ANOS1-related conditions. Algorithms developed to predict the effect of sequence changes on RNA splicing suggest that this variant may disrupt the consensus splice site. For these reasons, this variant has been classified as Pathogenic.

Literature cited by the submitters: PubMed 8504298; PubMed 11297579.